The following is an entry in ClinVar:

ClinVar aggregate classification (germline): Pathogenic (1 of 4 stars; one submission).

Conditions:
Autosomal dominant intellectual disability-craniofacial anomalies-cardiac defects syndrome (ARTHS). Also called: KAT6A syndrome; Mental retardation, autosomal dominant 32; Arboleda-Tham syndrome. Identifiers: Orphanet 457193, MedGen C4225396, MONDO:0014558, OMIM 616268.

Submission:

Baylor Genetics
Classification: Pathogenic for Autosomal dominant intellectual disability-craniofacial anomalies-cardiac defects syndrome. Last evaluated: 2018-08-29. Review status: criteria provided, single submitter. Criteria: ACMG Guidelines, 2015. Collection method: clinical testing. Allele origin: de novo. Affected: yes.
Comment: This variant was determined to be pathogenic according to ACMG Guidelines, 2015 [PMID:25741868].

NM_006766.5(KAT6A):c.2463del (p.Asn821fs)

Gene: KAT6A (lysine acetyltransferase 6A; minus strand). Cytogenetic location: 8p11.21.
Variant type: Deletion.
Coding change: c.2463del on transcript NM_006766.5 (MANE Select); coding-DNA position 2463, one base deleted (C; older notation c.2463delC).
Protein change: p.Asn821fs; shifts the reading frame from asparagine 821.
Molecular consequence: frameshift variant.
Genome position (GRCh38, 1-based): chr8:41,941,418, G deleted on the plus strand (C on the coding strand, the reverse complement: KAT6A is on the minus strand). VCF-style (leftmost placement, unchanged base first): chr8-41941417-TG-T. GRCh37 (hg19) VCF-style: chr8-41798935-TG-T.
Other names: short protein forms N821fs.
Identifiers: ClinVar variation 1034308 (VCV001034308.1), dbSNP rs1661324893, ClinGen allele CA1779179858.